The following is an entry in ClinVar:

ClinVar aggregate classification (germline): Uncertain significance (1 of 4 stars; one submission).

Conditions:
Primary ciliary dyskinesia. Also called: Ciliary dyskinesia. Identifiers: Orphanet 244, MedGen C0008780, MONDO:0016575, HP:0012265.

Submission:

Labcorp Genetics (formerly Invitae), Labcorp
Classification: Uncertain significance for Primary ciliary dyskinesia. Last evaluated: 2025-09-18. Review status: criteria provided, single submitter. Criteria: Invitae Variant Classification Sherloc (09022015). Collection method: clinical testing. Allele origin: germline.
Comment: This sequence change replaces glutamic acid, which is acidic and polar, with valine, which is neutral and non-polar, at codon 191 of the CCNO protein (p.Glu191Val). This variant is not present in population databases (gnomAD no frequency). This variant has not been reported in the literature in individuals affected with CCNO-related conditions. Invitae Evidence Modeling of protein sequence and biophysical properties (such as structural, functional, and spatial information, amino acid conservation, physicochemical variation, residue mobility, and thermodynamic stability) indicates that this missense variant is expected to disrupt CCNO protein function with a positive predictive value of 80%. In summary, the available evidence is currently insufficient to determine the role of this variant in disease. Therefore, it has been classified as a Variant of Uncertain Significance.

NM_021147.5(CCNO):c.572A>T (p.Glu191Val)

Gene: CCNO (cyclin O; minus strand). Cytogenetic location: 5q11.2.
Variant type: single nucleotide variant.
Coding change: c.572A>T on transcript NM_021147.5 (MANE Select); coding-DNA position 572, A replaced by T.
Protein change: p.Glu191Val; replaces glutamic acid 191 with valine.
Molecular consequence: missense variant. On other transcripts: non-coding transcript variant (3).
Genome position (GRCh38, 1-based): chr5:55,231,856, T>A on the plus strand (A>T on the coding strand, the complement: CCNO is on the minus strand). VCF-style: chr5-55231856-T-A. GRCh37 (hg19) VCF-style: chr5-54527684-T-A.
Other names: short protein forms E191V.
Identifiers: ClinVar variation 4745353 (VCV004745353.1).